The following is an entry in ClinVar:

ClinVar aggregate classification (germline): Uncertain significance (1 of 4 stars; one submission).

Conditions:
Inborn genetic diseases. Identifiers: MedGen C0950123, MeSH D030342.

Allele frequency attached by ClinVar (database versions not stated): gnomAD exomes below 0.00001; ExAC 0.00001.
gnomAD v4.1: 2 of 1,614,246 alleles (0.00012%); highest among the groups gnomAD compares: Non-Finnish European, 0.00017%; no homozygotes.

Submission:

Ambry Genetics
Classification: Uncertain significance for Inborn genetic diseases. Last evaluated: 2024-06-21. Review status: criteria provided, single submitter. Criteria: Ambry Variant Classification Scheme 2023. Collection method: clinical testing. Allele origin: germline.
Comment: The p.H2159R variant (also known as c.6476A>G), located in coding exon 44 of the LRRK2 gene, results from an A to G substitution at nucleotide position 6476. The histidine at codon 2159 is replaced by arginine, an amino acid with highly similar properties. This amino acid position is conserved. In addition, this alteration is predicted to be tolerated by in silico analysis. Since supporting evidence is limited at this time, the clinical significance of this alteration remains unclear.

NM_198578.4(LRRK2):c.6476A>G (p.His2159Arg)

Gene: LRRK2 (leucine rich repeat kinase 2; plus strand). Cytogenetic location: 12q12.
Variant type: single nucleotide variant.
Coding change: c.6476A>G on transcript NM_198578.4 (MANE Select); coding-DNA position 6476, A replaced by G.
Protein change: p.His2159Arg; replaces histidine 2159 with arginine.
Molecular consequence: missense variant.
Genome position (GRCh38, 1-based): chr12:40,351,633, A>G. VCF-style: chr12-40351633-A-G. GRCh37 (hg19) VCF-style: chr12-40745435-A-G.
Other names: short protein forms H2159R.
Identifiers: ClinVar variation 1753729 (VCV001753729.3), dbSNP rs748496433, ClinGen allele CA6514699.